The following is an entry in ClinVar:

NM_001127208.3(TET2):c.3860T>G (p.Phe1287Cys)

Genes: TET2 (tet methylcytosine dioxygenase 2; plus strand), TET2-AS1 (TET2 antisense RNA 1; minus strand). Cytogenetic location: 4q24.
Variant type: single nucleotide variant.
Coding change: c.3860T>G on transcript NM_001127208.3 (MANE Select); coding-DNA position 3860, T replaced by G.
Protein change: p.Phe1287Cys; replaces phenylalanine 1287 with cysteine.
Molecular consequence: missense variant.
Genome position (GRCh38, 1-based): chr4:105,259,675, T>G. VCF-style: chr4-105259675-T-G. GRCh37 (hg19) VCF-style: chr4-106180832-T-G.
Other names: short protein forms F1287C.
Identifiers: ClinVar variation 2032373 (VCV002032373.4), dbSNP rs1730324787, ClinGen allele CA357807192.
Genomic context (GRCh38, chr4:105,259,675, plus strand): 5'-TCAGGAGAACTTGCGCCTGTCAGGGGCTGGATCCAGAAACCTGTGGTGCCTCCTTCTCTT[T>G]TGGTTGTTCATGGAGCATGTACTACAATGGATGTAAGTTTGCCAGAAGCAAGATCCCAAG-3'
Protein context (NP_001120680.1, residues 1277-1297): DPETCGASFS[Phe1287Cys]GCSWSMYYNG

ClinVar aggregate classification (germline): Uncertain significance (1 of 4 stars; one submission).

Submission:

Labcorp Genetics (formerly Invitae), Labcorp
Classification: Uncertain significance. Last evaluated: 2022-11-28. Review status: criteria provided, single submitter. Criteria: Invitae Variant Classification Sherloc (09022015). Collection method: clinical testing. Allele origin: germline.
Comment: This variant is not present in population databases (gnomAD no frequency). This sequence change replaces phenylalanine, which is neutral and non-polar, with cysteine, which is neutral and slightly polar, at codon 1287 of the TET2 protein (p.Phe1287Cys). This variant has not been reported in the literature in individuals affected with TET2-related conditions. Algorithms developed to predict the effect of missense changes on protein structure and function are either unavailable or do not agree on the potential impact of this missense change (SIFT: "Deleterious"; PolyPhen-2: "Probably Damaging"; Align-GVGD: "Class C0"). In summary, the available evidence is currently insufficient to determine the role of this variant in disease. Therefore, it has been classified as a Variant of Uncertain Significance.